The following is an entry in ClinVar:

NM_001164665.2(KIAA1549):c.3688C>G (p.Leu1230Val)

Gene: KIAA1549 (KIAA1549; minus strand). Cytogenetic location: 7q34.
Variant type: single nucleotide variant.
Coding change: c.3688C>G on transcript NM_001164665.2 (MANE Select); coding-DNA position 3688, C replaced by G.
Protein change: p.Leu1230Val; replaces leucine 1230 with valine.
Molecular consequence: missense variant.
Genome position (GRCh38, 1-based): chr7:138,899,114, G>C on the plus strand (C>G on the coding strand, the complement: KIAA1549 is on the minus strand). VCF-style: chr7-138899114-G-C. GRCh37 (hg19) VCF-style: chr7-138583860-G-C.
Other names: c.3688C>G, p.Leu1230Val (NM_020910.3); short protein forms L1230V.
Identifiers: ClinVar variation 1044015 (VCV001044015.9), dbSNP rs1811771533, ClinGen allele CA369381619.

ClinVar aggregate classification (germline): Uncertain significance (1 of 4 stars; one submission).

Submission:

Labcorp Genetics (formerly Invitae), Labcorp
Classification: Uncertain significance. Last evaluated: 2020-01-03. Review status: criteria provided, single submitter. Criteria: Invitae Variant Classification Sherloc (09022015). Collection method: clinical testing. Allele origin: germline.
Comment: This variant has not been reported in the literature in individuals with KIAA1549-related conditions. This variant is not present in population databases (ExAC no frequency). Algorithms developed to predict the effect of missense changes on protein structure and function (SIFT, PolyPhen-2, Align-GVGD) all suggest that this variant is likely to be disruptive, but these predictions have not been confirmed by published functional studies and their clinical significance is uncertain. In summary, the available evidence is currently insufficient to determine the role of this variant in disease. Therefore, it has been classified as a Variant of Uncertain Significance. This sequence change replaces leucine with valine at codon 1230 of the KIAA1549 protein (p.Leu1230Val). The leucine residue is highly conserved and there is a small physicochemical difference between leucine and valine.